The following is an entry in ClinVar:

NM_000093.5(COL5A1):c.3428C>A (p.Pro1143Gln)

Gene: COL5A1 (collagen type V alpha 1 chain; plus strand). Cytogenetic location: 9q34.3.
Variant type: single nucleotide variant.
Coding change: c.3428C>A on transcript NM_000093.5 (MANE Select); coding-DNA position 3428, C replaced by A.
Protein change: p.Pro1143Gln; replaces proline 1143 with glutamine.
Molecular consequence: missense variant.
Genome position (GRCh38, 1-based): chr9:134,809,244, C>A. VCF-style: chr9-134809244-C-A. GRCh37 (hg19) VCF-style: chr9-137701090-C-A.
Other names: c.3428C>A, p.Pro1143Gln (NM_001278074.1); short protein forms P1143Q.
Identifiers: ClinVar variation 3360832 (VCV003360832.4).

ClinVar aggregate classification (germline): Uncertain significance. Review status: criteria provided, multiple submitters, no conflicts (2 of 4 stars). 3 submissions from 3 submitters: Uncertain significance (3). Last evaluated 2025-12-04.

Conditions:
Ehlers-Danlos syndrome, classic type, 1 (EDSCL1). Also called: EDS I; EHLERS-DANLOS SYNDROME, GRAVIS TYPE; EHLERS-DANLOS SYNDROME, SEVERE CLASSIC TYPE; Ehlers-Danlos Syndrome, Classic Type, COL5A1-Related; Ehlers-Danlos syndrome, type 1. Identifiers: MedGen C0268335, MONDO:0019567, OMIM 130000.
COL5A1-related disorder. Also called: COL5A1-related condition.

gnomAD v4.1: 2 of 1,608,280 alleles (0.00012%); highest among the groups gnomAD compares: East Asian, 0.0022%; no homozygotes.

Submissions (3):

PreventionGenetics, part of Exact Sciences
Classification: Uncertain significance for COL5A1-related condition. Last evaluated: 2025-12-04. Review status: criteria provided, single submitter. Criteria: ACMG Guidelines, 2015. Collection method: clinical testing. Allele origin: germline.
Comment: The COL5A1 c.3428C>A variant is predicted to result in the amino acid substitution p.Pro1143Gln. To our knowledge, this variant has not been reported in the literature or in a large population database (gnomAD), indicating this variant is rare. At this time, the clinical significance of this variant is uncertain due to the absence of conclusive functional and genetic evidence.

Labcorp Genetics (formerly Invitae), Labcorp
Classification: Uncertain significance for Ehlers-Danlos syndrome, classic type, 1. Last evaluated: 2024-05-07. Review status: criteria provided, single submitter. Criteria: Invitae Variant Classification Sherloc (09022015). Collection method: clinical testing. Allele origin: germline.
Comment: This sequence change replaces proline, which is neutral and non-polar, with glutamine, which is neutral and polar, at codon 1143 of the COL5A1 protein (p.Pro1143Gln). This variant is not present in population databases (gnomAD no frequency). This variant has not been reported in the literature in individuals affected with COL5A1-related conditions. Advanced modeling of protein sequence and biophysical properties (such as structural, functional, and spatial information, amino acid conservation, physicochemical variation, residue mobility, and thermodynamic stability) has been performed at Invitae for this missense variant, however the output from this modeling did not meet the statistical confidence thresholds required to predict the impact of this variant on COL5A1 protein function. In summary, the available evidence is currently insufficient to determine the role of this variant in disease. Therefore, it has been classified as a Variant of Uncertain Significance.

GeneDx
Classification: Uncertain significance. Last evaluated: 2023-07-05. Review status: criteria provided, single submitter. Criteria: GeneDx Variant Classification Process June 2021. Collection method: clinical testing. Allele origin: germline. Affected: yes.
Comment: Not observed at significant frequency in large population cohorts (gnomAD); In silico analysis supports that this missense variant has a deleterious effect on protein structure/function; Has not been previously published as pathogenic or benign to our knowledge; Occurs in the triple helical domain at the Y position in the canonical Gly-X-Y repeat; although this variant may have an effect on normal protein folding and function, missense substitution at the Y position is not a common mechanism of disease (Symoens et al., 2012; HGMD); This variant is associated with the following publications: (PMID: 22696272)